The following is an entry in ClinVar:

ClinVar aggregate classification (germline): Pathogenic (1 of 4 stars; one submission).

Conditions:
Jeune thoracic dystrophy. Also called: Short-rib thoracic dysplasia; Jeune syndrome; Infantile thoracic dystrophy; Thoracic pelvic phalangeal dystrophy; Jeune's syndrome; Chondroectodermal dysplasia-like syndrome. Identifiers: Orphanet 474, MedGen C0265275, MONDO:0018770.

Submission:

Labcorp Genetics (formerly Invitae), Labcorp
Classification: Pathogenic for Jeune thoracic dystrophy. Last evaluated: 2023-10-06. Review status: criteria provided, single submitter. Criteria: Invitae Variant Classification Sherloc (09022015). Collection method: clinical testing. Allele origin: germline.
Comment: This sequence change creates a premature translational stop signal (p.Lys1836Argfs*3) in the DYNC2H1 gene. It is expected to result in an absent or disrupted protein product. Loss-of-function variants in DYNC2H1 are known to be pathogenic (PMID: 23339108, 32753734, 33755199). This variant is not present in population databases (gnomAD no frequency). This variant has not been reported in the literature in individuals affected with DYNC2H1-related conditions. For these reasons, this variant has been classified as Pathogenic.

Literature cited by the submitters: PubMed 23339108; PubMed 32753734; PubMed 33755199.

NM_001377.3(DYNC2H1):c.5507_5508del (p.Lys1836fs)

Gene: DYNC2H1 (dynein cytoplasmic 2 heavy chain 1; plus strand). Cytogenetic location: 11q22.3.
Variant type: Deletion.
Coding change: c.5507_5508del on transcript NM_001377.3 (MANE Select); coding-DNA positions 5507 to 5508, 2 bases deleted (AA; older notation c.5507_5508delAA).
Protein change: p.Lys1836fs; shifts the reading frame from lysine 1836.
Molecular consequence: frameshift variant.
Genome position (GRCh38, 1-based): chr11:103,173,254-103,173,255, AA deleted; deleting any 2 consecutive bases within chr11:103,173,253-103,173,255 gives the same sequence; the c. name uses the placement nearest the transcript's 3' end. VCF-style (leftmost placement, unchanged base first): chr11-103173252-TAA-T. GRCh37 (hg19) VCF-style: chr11-103043981-TAA-T.
Other names: c.5507_5508del, p.Lys1836fs (NM_001080463.2); short protein forms K1836fs.
Identifiers: ClinVar variation 2766382 (VCV002766382.3), dbSNP rs2497153111, ClinGen allele CA2697549105.